The following is an entry in ClinVar:

NM_004006.3(DMD):c.424A>T (p.Ser142Cys)

Gene: DMD (dystrophin; minus strand). Cytogenetic location: Xp21.1.
Variant type: single nucleotide variant.
Coding change: c.424A>T on transcript NM_004006.3 (MANE Select); coding-DNA position 424, A replaced by T.
Protein change: p.Ser142Cys; replaces serine 142 with cysteine.
Molecular consequence: missense variant.
Genome position (GRCh38, 1-based): chrX:32,816,574, T>A on the plus strand (A>T on the coding strand, the complement: DMD is on the minus strand). VCF-style: chrX-32816574-T-A. GRCh37 (hg19) VCF-style: chrX-32834691-T-A.
Other names: c.400A>T, p.Ser134Cys (NM_000109.4); c.412A>T, p.Ser138Cys (NM_004009.3); c.55A>T, p.Ser19Cys (NM_004010.3); short protein forms S138C, S134C, S142C, S19C.
Identifiers: ClinVar variation 2725690 (VCV002725690.4), dbSNP rs1010307830, ClinGen allele CA328574233.

ClinVar aggregate classification (germline): Uncertain significance. Review status: criteria provided, multiple submitters, no conflicts (2 of 4 stars). 2 submissions from 2 submitters: Uncertain significance (2). Last evaluated 2025-04-13.

Conditions:
Duchenne muscular dystrophy (DMD). Also called: Duchenne Muscular Dystrophy (DMD); MUSCULAR DYSTROPHY, PSEUDOHYPERTROPHIC PROGRESSIVE, DUCHENNE TYPE. Identifiers: Orphanet 98896, MedGen C0013264, MONDO:0010679, OMIM 310200.

Submissions (2):

Labcorp Genetics (formerly Invitae), Labcorp
Classification: Uncertain significance for Duchenne muscular dystrophy. Last evaluated: 2025-04-13. Review status: criteria provided, single submitter. Criteria: Invitae Variant Classification Sherloc (09022015). Collection method: clinical testing. Allele origin: germline.
Comment: This sequence change replaces serine, which is neutral and polar, with cysteine, which is neutral and slightly polar, at codon 142 of the DMD protein (p.Ser142Cys). This variant is not present in population databases (gnomAD no frequency). This missense change has been observed in individual(s) with dilated cardiomyopathy (PMID: 31983221). ClinVar contains an entry for this variant (Variation ID: 2725690). Invitae Evidence Modeling of protein sequence and biophysical properties (such as structural, functional, and spatial information, amino acid conservation, physicochemical variation, residue mobility, and thermodynamic stability) has been performed for this missense variant. However, the output from this modeling did not meet the statistical confidence thresholds required to predict the impact of this variant on DMD protein function. In summary, the available evidence is currently insufficient to determine the role of this variant in disease. Therefore, it has been classified as a Variant of Uncertain Significance.

Blueprint Genetics
Classification: Uncertain significance. Last evaluated: 2024-04-02. Review status: criteria provided, single submitter. Criteria: ACMG Guidelines, 2015. Collection method: clinical testing. Allele origin: germline.

Literature cited by the submitters: PubMed 31983221 (cited by Labcorp Genetics (formerly Invitae), Labcorp).